The following is an entry in ClinVar:

ClinVar aggregate classification (germline): Benign. Review status: reviewed by expert panel (3 of 4 stars). 31 submissions from 30 submitters: Benign (1). 30 of the submissions do not count toward it. Last evaluated 2015-01-12.
ClinVar aggregate classification (somatic clinical impact): Tier IV - Benign/Likely benign (0 of 4 stars; one submission).

Conditions:
Hereditary cancer-predisposing syndrome. Also called: Hereditary neoplastic syndrome; Tumor predisposition; Neoplastic Syndromes, Hereditary; Hereditary Cancer Syndrome. Identifiers: Orphanet 140162, MedGen C0027672, MeSH D009386, MONDO:0015356.
Hereditary breast ovarian cancer syndrome. Also called: Hereditary breast and ovarian cancer syndrome; Breast and ovarian cancer; Hereditary breast and ovarian cancer syndrome (HBOC); BRCA1- and BRCA2-Associated Hereditary Breast and Ovarian Cancer; Hereditary breast and ovarian cancer; Hereditary breast and/or ovarian cancer syndrome. Identifiers: Orphanet 145, MedGen C0677776, MeSH D061325, MONDO:0003582. Disease mechanism: loss of function.
Fanconi anemia complementation group D1. Also called: BRCA2-Related Fanconi Anemia. Identifiers: Orphanet 319462, MedGen C1838457, MONDO:0011584, OMIM 605724.
Breast-ovarian cancer, familial, susceptibility to, 2 (BROVCA2). Also called: BRCA2 Hereditary Breast and Ovarian Cancer. Identifiers: Orphanet 145, MedGen C2675520, MONDO:0012933, OMIM 612555. Disease mechanism: loss of function.
Familial cancer of breast. Also called: hereditary breast carcinoma; Hereditary breast cancer; BREAST CANCER, FAMILIAL. Identifiers: Orphanet 227535, MedGen C0346153, MONDO:0016419, OMIM 114480. Disease mechanism: loss of function.
Malignant tumor of breast. Also called: Malignant breast neoplasm; Cancer breast. Identifiers: MedGen C0006142, MONDO:0007254. Disease mechanism: loss of function.

Allele frequency attached by ClinVar (database versions not stated): 1000 Genomes Project 30x 0.97252; 1000 Genomes Project 0.97364; ESP Exome Variant Server 0.97547; TOPMed 0.97592; gnomAD exomes 0.99779.
gnomAD v4.1: 1,593,842 of 1,600,494 alleles (100%); highest among the groups gnomAD compares: East Asian, 100%; 793,827 homozygotes.

Submissions 1 to 21 of 32:

Evidence-based Network for the Interpretation of Germline Mutant Alleles (ENIGMA)
Classification: Benign for Breast-ovarian cancer, familial 2. Last evaluated: 2015-01-12. Review status: reviewed by expert panel. Criteria: ENIGMA BRCA1/2 Classification Criteria (2015). Collection method: curation. Allele origin: germline.
Comment: Class 1 not pathogenic based on frequency >1% in an outbred sampleset. Frequency 0.8902 (African), derived from 1000 genomes (2012-04-30).

Labcorp Genetics (formerly Invitae), Labcorp
Classification: Benign for Hereditary breast ovarian cancer syndrome. Last evaluated: 2026-02-04. Review status: criteria provided, single submitter. Criteria: Invitae Variant Classification Sherloc (09022015). Collection method: clinical testing. Allele origin: germline. Not counted in ClinVar's aggregate classification.

ARUP Laboratories, Molecular Genetics and Genomics, ARUP Laboratories
Classification: Benign. Last evaluated: 2025-07-31. Review status: criteria provided, single submitter. Criteria: ARUP Molecular Germline Variant Investigation Process 2024. Collection method: clinical testing. Allele origin: germline. Not counted in ClinVar's aggregate classification.

Center for Genomic Medicine, Rigshospitalet, Copenhagen University Hospital
Classification: Benign. Last evaluated: 2025-03-04. Review status: criteria provided, single submitter. Criteria: ACMG Guidelines, 2015. Collection method: clinical testing. Allele origin: germline. Not counted in ClinVar's aggregate classification.

Blueprint Genetics
Classification: Benign. Last evaluated: 2024-11-27. Review status: criteria provided, single submitter. Criteria: ACMG Guidelines, 2015. Collection method: clinical testing. Allele origin: germline. Not counted in ClinVar's aggregate classification.

KCCC/NGS Laboratory, Kuwait Cancer Control Center
Classification: Benign for Breast-ovarian cancer, familial, susceptibility to, 2. Last evaluated: 2023-07-07. Review status: criteria provided, single submitter. Criteria: ACMG Guidelines, 2015. Collection method: clinical testing. Allele origin: germline. Affected: yes. Not counted in ClinVar's aggregate classification.

National Health Laboratory Service, Universitas Academic Hospital and University of the Free State
Classification: Benign for Hereditary breast ovarian cancer syndrome. Last evaluated: 2022-04-19. Review status: criteria provided, single submitter. Criteria: ACMG Guidelines, 2015. Collection method: clinical testing. Allele origin: germline. Affected: yes. Observed: 1,363 variant alleles. Not counted in ClinVar's aggregate classification.

Genetics Program, Instituto Nacional de Cancer
Classification: Benign for Hereditary breast ovarian cancer syndrome. Last evaluated: 2021-11-01. Review status: criteria provided, single submitter. Criteria: ACMG Guidelines, 2015. Collection method: research. Allele origin: germline. Affected: yes. Not counted in ClinVar's aggregate classification.

Sema4
Classification: Benign for Hereditary cancer-predisposing syndrome. Last evaluated: 2019-12-09. Review status: criteria provided, single submitter. Criteria: Sema4 Curation Guidelines. Collection method: curation. Allele origin: germline. Not counted in ClinVar's aggregate classification.

Eurofins Ntd Llc (ga)
Classification: Benign. Last evaluated: 2018-03-06. Review status: criteria provided, single submitter. Criteria: EGL ClinVar v180209 classification definitions. Collection method: clinical testing. Allele origin: germline. Observed: 409 variant alleles, 9 heterozygotes, 400 homozygotes. Not counted in ClinVar's aggregate classification.

Illumina Laboratory Services, Illumina
Classification: Benign for Fanconi anemia complementation group D1. Last evaluated: 2018-01-13. Review status: criteria provided, single submitter. Criteria: ICSL Variant Classification Criteria 13 December 2019. Collection method: clinical testing. Allele origin: germline. Not counted in ClinVar's aggregate classification.
Comment: This variant was observed in the ICSL laboratory as part of a predisposition screen in an ostensibly healthy population. It had not been previously curated by ICSL or reported in the Human Gene Mutation Database (HGMD: prior to June 1st, 2018), and was therefore a candidate for classification through an automated scoring system. Utilizing variant allele frequency, disease prevalence and penetrance estimates, and inheritance mode, an automated score was calculated to assess if this variant is too frequent to cause the disease. Based on the score and internal cut-off values, a variant classified as benign is not then subjected to further curation. The score for this variant resulted in a classification of benign for this disease.

Illumina Laboratory Services, Illumina
Classification: Benign for Breast-ovarian cancer, familial, susceptibility to, 2. Last evaluated: 2018-01-13. Review status: criteria provided, single submitter. Criteria: ICSL Variant Classification Criteria 13 December 2019. Collection method: clinical testing. Allele origin: germline. Not counted in ClinVar's aggregate classification.
Comment: the same text as in the submission from Illumina Laboratory Services, Illumina above.

GeneKor MSA
Classification: Benign. Last evaluated: 2017-11-01. Review status: criteria provided, single submitter. Criteria: ACMG Guidelines, 2015. Collection method: clinical testing. Allele origin: germline. Affected: yes. Not counted in ClinVar's aggregate classification.

Cancer Genetics and Genomics Laboratory, British Columbia Cancer Agency
Classification: Benign. Last evaluated: 2017-04-18. Review status: criteria provided, single submitter. Criteria: ACMG Guidelines, 2015. Collection method: clinical testing. Allele origin: germline. Study: The Canadian Open Genetics Repository (COGR). Not counted in ClinVar's aggregate classification.

Baylor Genetics
Classification: Benign for Familial cancer of breast. Last evaluated: 2017-02-23. Review status: criteria provided, single submitter. Criteria: ACMG Guidelines, 2015. Collection method: clinical testing. Allele origin: germline. Inheritance: Autosomal dominant inheritance. Affected: no. Not counted in ClinVar's aggregate classification.

Laboratory for Molecular Medicine, Mass General Brigham Personalized Medicine
Classification: Benign. Last evaluated: 2016-12-19. Review status: criteria provided, single submitter. Criteria: LMM Criteria. Collection method: clinical testing. Allele origin: germline. Observed: 6 variant alleles. Not counted in ClinVar's aggregate classification.
Comment: This variant is not expected to have clinical significance because it does not a lter an amino acid residue and is not located within the splice consensus sequen ce. It has been identified in over 99% of total chromosomes by the Exome Aggreg ation Consortium (ExAC; dbSNP rs206076).

Color Diagnostics, LLC DBA Color Health
Classification: Benign for Hereditary cancer-predisposing syndrome. Last evaluated: 2015-03-31. Review status: criteria provided, single submitter. Criteria: ACMG Guidelines, 2015. Collection method: clinical testing. Allele origin: germline. Not counted in ClinVar's aggregate classification.

Ambry Genetics
Classification: Benign for Hereditary cancer-predisposing syndrome. Last evaluated: 2014-11-19. Review status: criteria provided, single submitter. Criteria: Ambry Variant Classification Scheme 2023. Collection method: clinical testing. Allele origin: germline. Not counted in ClinVar's aggregate classification.

Molecular Genetics Laboratory, University of Michigan
Classification: Benign for Breast-ovarian cancer, familial, susceptibility to, 2. Last evaluated: 2014-11-03. Review status: criteria provided, single submitter. Criteria: ACMG Guidelines, 2015. Collection method: clinical testing. Allele origin: germline. Affected: yes. Not counted in ClinVar's aggregate classification.

Genome Diagnostics Laboratory, University Medical Center Utrecht
Classification: Benign for Breast-ovarian cancer, familial, susceptibility to, 2. Last evaluated: 2014-10-10. Review status: criteria provided, single submitter. Criteria: ACGS Guidelines, 2013. Collection method: clinical testing. Allele origin: germline. Affected: yes. Study: VKGL Data-share Consensus. Not counted in ClinVar's aggregate classification.

GeneDx
Classification: Benign. Last evaluated: 2014-06-23. Review status: criteria provided, single submitter. Criteria: GeneDx Variant Classification (06012015). Collection method: clinical testing. Allele origin: germline. Affected: yes. Not counted in ClinVar's aggregate classification.
Comment: This variant is considered likely benign or benign based on one or more of the following criteria: it is a conservative change, it occurs at a poorly conserved position in the protein, it is predicted to be benign by multiple in silico algorithms, and/or has population frequency not consistent with disease.

NM_000059.4(BRCA2):c.6513G>C (p.Val2171=)

Gene: BRCA2 (BRCA2 DNA repair associated; plus strand). Cytogenetic location: 13q13.1.
Variant type: single nucleotide variant.
Coding change: c.6513G>C on transcript NM_000059.4 (MANE Select); coding-DNA position 6513, G replaced by C.
Protein change: p.Val2171=; no amino-acid change (valine 2171 retained).
Molecular consequence: synonymous variant.
Genome position (GRCh38, 1-based): chr13:32,340,868, G>C. VCF-style: chr13-32340868-G-C. GRCh37 (hg19) VCF-style: chr13-32915005-G-C.
Other names: p.V2171V:GTG>GTC; 6741 G>C; NP_000050.3:p.Val2171=.
Identifiers: ClinVar variation 132780 (VCV000132780.94), dbSNP rs206076, ClinGen allele CA024126.